The following is an entry in ClinVar:

ClinVar aggregate classification (germline): Uncertain significance. Review status: criteria provided, multiple submitters, no conflicts (2 of 4 stars). 3 submissions from 3 submitters: Uncertain significance (3). Last evaluated 2025-12-09.

Conditions:
Neurofibromatosis, type 1 (NF1). Also called: Neurofibromatosis, type I; Peripheral type neurofibromatosis; VON RECKLINGHAUSEN DISEASE; NEUROFIBROMATOSIS, TYPE I, SOMATIC. Identifiers: Orphanet 636, MedGen C0027831, MONDO:0018975, OMIM 162200. Disease mechanism: loss of function.
Hereditary cancer-predisposing syndrome. Also called: Neoplastic Syndromes, Hereditary; Hereditary Cancer Syndrome; Hereditary neoplastic syndrome; Tumor predisposition. Identifiers: Orphanet 140162, MedGen C0027672, MeSH D009386, MONDO:0015356.
Cardiovascular phenotype. Identifiers: MedGen CN230736.

Allele frequency attached by ClinVar (database versions not stated): gnomAD 0.00001; TOPMed 0.00001.
gnomAD v4.1: 3 of 1,613,950 alleles (0.00019%); highest among the groups gnomAD compares: African/African-American, 0.004%; no homozygotes.

Submissions (3):

Ambry Genetics
Classification: Uncertain significance for Cardiovascular phenotype; Hereditary cancer-predisposing syndrome. Last evaluated: 2025-12-09. Review status: criteria provided, single submitter. Criteria: Ambry Variant Classification Scheme 2023. Collection method: clinical testing. Allele origin: germline.
Comment: The p.H1316Q variant (also known as c.3948T>A), located in coding exon 29 of the NF1 gene, results from a T to A substitution at nucleotide position 3948. The histidine at codon 1316 is replaced by glutamine, an amino acid with highly similar properties. This alteration was not observed in 7,051 unselected female breast cancer patients and was observed with an allele frequency of 0.00009 in 11,241 female controls of Japanese ancestry (Momozawa Y et al. Nat Commun, 2018 Oct;9:4083). This amino acid position is highly conserved in available vertebrate species. In addition, the in silico prediction for this alteration is inconclusive. Since supporting evidence is limited at this time, the clinical significance of this alteration remains unclear.

Labcorp Genetics (formerly Invitae), Labcorp
Classification: Uncertain significance for Neurofibromatosis, type 1. Last evaluated: 2024-09-15. Review status: criteria provided, single submitter. Criteria: Invitae Variant Classification Sherloc (09022015). Collection method: clinical testing. Allele origin: germline.
Comment: This sequence change replaces histidine, which is basic and polar, with glutamine, which is neutral and polar, at codon 1316 of the NF1 protein (p.His1316Gln). This variant is not present in population databases (gnomAD no frequency). This variant has not been reported in the literature in individuals affected with NF1-related conditions. ClinVar contains an entry for this variant (Variation ID: 824414). Invitae Evidence Modeling of protein sequence and biophysical properties (such as structural, functional, and spatial information, amino acid conservation, physicochemical variation, residue mobility, and thermodynamic stability) indicates that this missense variant is not expected to disrupt NF1 protein function with a negative predictive value of 95%. In summary, the available evidence is currently insufficient to determine the role of this variant in disease. Therefore, it has been classified as a Variant of Uncertain Significance.

Genome-Nilou Lab
Classification: Uncertain significance for Neurofibromatosis, type 1. Last evaluated: 2022-03-15. Review status: criteria provided, single submitter. Criteria: ACMG Guidelines, 2015. Collection method: clinical testing. Allele origin: germline. Affected: no.

Literature cited by the submitters: PubMed 30287823 (cited by Ambry Genetics).

NM_001042492.3(NF1):c.3948T>A (p.His1316Gln)

Gene: NF1 (neurofibromin 1; plus strand). Cytogenetic location: 17q11.2.
Variant type: single nucleotide variant.
Coding change: c.3948T>A on transcript NM_001042492.3 (MANE Select); coding-DNA position 3948, T replaced by A.
Protein change: p.His1316Gln; replaces histidine 1316 with glutamine.
Molecular consequence: missense variant.
Genome position (GRCh38, 1-based): chr17:31,235,995, T>A. VCF-style: chr17-31235995-T-A. GRCh37 (hg19) VCF-style: chr17-29563013-T-A.
Other names: c.3948T>A, p.His1316Gln (NM_000267.4); short protein forms H1316Q.
Identifiers: ClinVar variation 824414 (VCV000824414.14), dbSNP rs1418340346, ClinGen allele CA398993256.